The following is an entry in ClinVar:

NM_001130987.2(DYSF):c.1038C>T (p.His346=)

Gene: DYSF (dysferlin; plus strand). Cytogenetic location: 2p13.2.
Variant type: single nucleotide variant.
Coding change: c.1038C>T on transcript NM_001130987.2 (MANE Select); coding-DNA position 1038, C replaced by T.
Protein change: p.His346=; no amino-acid change (histidine 346 retained).
Molecular consequence: synonymous variant.
Genome position (GRCh38, 1-based): chr2:71,520,793, C>T. VCF-style: chr2-71520793-C-T. GRCh37 (hg19) VCF-style: chr2-71747923-C-T.
Other names: p.His314=; c.945C>T, p.His315= (NM_001130455.2, NM_001130983.2, NM_001130984.2 and 1 more transcripts); c.942C>T, p.His314= (NM_001130976.2, NM_001130977.2, NM_001130978.2 and 1 more transcripts); c.1035C>T, p.His345= (NM_001130979.2, NM_001130980.2, NM_001130981.2); c.1038C>T, p.His346= (NM_001130982.2, NM_001130985.2).
Identifiers: ClinVar variation 94369 (VCV000094369.32), dbSNP rs36122356, ClinGen allele CA147779.

ClinVar aggregate classification (germline): Benign/Likely benign. Review status: criteria provided, multiple submitters, no conflicts (2 of 4 stars). 13 submissions from 13 submitters: Benign (8); Likely benign (3). 2 of the submissions do not count toward it. Last evaluated 2026-02-04.

Conditions:
Neuromuscular disease caused by qualitative or quantitative defects of dysferlin. Also called: Dysferlinopathy; Qualitative or quantitative defects of dysferlin. Identifiers: Orphanet 207073, MedGen C2931687, MONDO:0016145.
Autosomal recessive limb-girdle muscular dystrophy type 2B (LGMDR2). Also called: MUSCULAR DYSTROPHY, LIMB-GIRDLE, TYPE 3; Limb-Girdle Muscular Dystrophy Type 2B (LGMD2B); Limb-girdle muscular dystrophy, type 2B; MUSCULAR DYSTROPHY, LIMB-GIRDLE, AUTOSOMAL RECESSIVE 2. Identifiers: Orphanet 268, MedGen C1850889, MONDO:0009676, OMIM 253601.
Miyoshi muscular dystrophy 1 (MMD1). Identifiers: Orphanet 45448, MedGen C4551973, MONDO:0024545, OMIM 254130.

Allele frequency attached by ClinVar (database versions not stated): gnomAD exomes 0.05646; ExAC 0.05767; gnomAD 0.06463 and 0.06522; TOPMed 0.06543; ESP Exome Variant Server 0.06705; 1000 Genomes Project 30x 0.08276; 1000 Genomes Project 0.08407.
gnomAD v4.1: 91,752 of 1,613,280 alleles (5.7%); highest among the groups gnomAD compares: African/African-American, 9.8%; 2,957 homozygotes.

Submissions (13):

Labcorp Genetics (formerly Invitae), Labcorp
Classification: Benign for Neuromuscular disease caused by qualitative or quantitative defects of dysferlin. Last evaluated: 2026-02-04. Review status: criteria provided, single submitter. Criteria: Invitae Variant Classification Sherloc (09022015). Collection method: clinical testing. Allele origin: germline.

Blueprint Genetics
Classification: Benign. Last evaluated: 2024-11-26. Review status: criteria provided, single submitter. Criteria: ACMG Guidelines, 2015. Collection method: clinical testing. Allele origin: germline.

Genome-Nilou Lab
Classification: Benign for Miyoshi muscular dystrophy 1. Last evaluated: 2021-06-10. Review status: criteria provided, single submitter. Criteria: ACMG Guidelines, 2015. Collection method: clinical testing. Allele origin: germline. Affected: no.

Illumina Laboratory Services, Illumina
Classification: Likely benign for Qualitative or quantitative defects of dysferlin. Last evaluated: 2018-01-12. Review status: criteria provided, single submitter. Criteria: ICSL Variant Classification Criteria 13 December 2019. Collection method: clinical testing. Allele origin: germline.
Comment: This variant was observed in the ICSL laboratory as part of a predisposition screen in an ostensibly healthy population. It had not been previously curated by ICSL or reported in the Human Gene Mutation Database (HGMD: prior to June 1st, 2018), and was therefore a candidate for classification through an automated scoring system. Utilizing variant allele frequency, disease prevalence and penetrance estimates, and inheritance mode, an automated score was calculated to assess if this variant is too frequent to cause the disease. Based on the score and internal cut-off values, a variant classified as likely benign is not then subjected to further curation. The score for this variant resulted in a classification of likely benign for this disease.

Mayo Clinic Laboratories, Mayo Clinic
Classification: Benign. Last evaluated: 2017-08-25. Review status: criteria provided, single submitter. Criteria: ACMG Guidelines, 2015. Collection method: clinical testing. Allele origin: germline. Observed: 137 variant alleles.

Athena Diagnostics
Classification: Benign. Last evaluated: 2017-03-17. Review status: criteria provided, single submitter. Criteria: Athena Diagnostics Criteria. Collection method: clinical testing. Allele origin: germline.

GeneDx
Classification: Benign. Last evaluated: 2016-02-08. Review status: criteria provided, single submitter. Criteria: GeneDx Variant Classification (06012015). Collection method: clinical testing. Allele origin: germline. Affected: yes.
Comment: This variant is considered likely benign or benign based on one or more of the following criteria: it is a conservative change, it occurs at a poorly conserved position in the protein, it is predicted to be benign by multiple in silico algorithms, and/or has population frequency not consistent with disease.

Laboratory for Molecular Medicine, Mass General Brigham Personalized Medicine
Classification: Benign. Last evaluated: 2015-01-13. Review status: criteria provided, single submitter. Criteria: LMM Criteria. Collection method: clinical testing. Allele origin: germline. Observed: 1 variant allele.
Comment: p.His346His in exon 12 of DYSF: This variant is not expected to have clinical si gnificance because it does not alter an amino acid residue and is not located wi thin the splice consensus sequence. It has been identified in 9.0% (395/4406) of African American chromosomes from a broad population by the NHLBI Exome Sequenc ing Project (dbSNP rs36122356).

Eurofins Ntd Llc (ga)
Classification: Benign. Last evaluated: 2012-08-15. Review status: criteria provided, single submitter. Criteria: EGL Classification Definitions 2015. Collection method: clinical testing. Allele origin: germline. Observed: 16 variant alleles, 13 heterozygotes, 3 homozygotes.

Breakthrough Genomics
Classification: Likely benign. Review status: criteria provided, single submitter. Criteria: ACMG Guidelines, 2015. Collection method: not provided. Allele origin: germline. Inheritance: Autosomal recessive inheritance. Affected: yes.

PreventionGenetics, part of Exact Sciences
Classification: Likely benign. Review status: criteria provided, single submitter. Criteria: ACMG Guidelines, 2015. Collection method: clinical testing. Allele origin: germline.

Natera, Inc.
Classification: Benign for Limb-girdle muscular dystrophy type 2B. Last evaluated: 2020-09-16. Review status: no assertion criteria provided. Collection method: clinical testing. Allele origin: germline. Not counted in ClinVar's aggregate classification.

Genetic Services Laboratory, University of Chicago
Classification: Likely benign for AllHighlyPenetrant. Review status: no assertion criteria provided. Collection method: clinical testing. Allele origin: germline. Inheritance: Autosomal recessive inheritance. Not counted in ClinVar's aggregate classification.
Comment: Likely benign based on allele frequency in 1000 Genomes Project or ESP global frequency and its presence in a patient with a rare or unrelated disease phenotype. NOT Sanger confirmed.

Literature cited by the submitters: PubMed 15469449 (cited by Athena Diagnostics).